The following is an entry in ClinVar:

ClinVar aggregate classification (germline): Uncertain significance (1 of 4 stars; one submission).

gnomAD v4.1: 5 of 1,613,846 alleles (0.00031%); highest among the groups gnomAD compares: Non-Finnish European, 0.00042%; no homozygotes.

Submission:

Labcorp Genetics (formerly Invitae), Labcorp
Classification: Uncertain significance. Last evaluated: 2025-07-31. Review status: criteria provided, single submitter. Criteria: Invitae Variant Classification Sherloc (09022015). Collection method: clinical testing. Allele origin: germline.
Comment: This sequence change replaces leucine, which is neutral and non-polar, with valine, which is neutral and non-polar, at codon 2299 of the MTOR protein (p.Leu2299Val). This variant is not present in population databases (gnomAD no frequency). This variant has not been reported in the literature in individuals affected with MTOR-related conditions. Invitae Evidence Modeling of protein sequence and biophysical properties (such as structural, functional, and spatial information, amino acid conservation, physicochemical variation, residue mobility, and thermodynamic stability) indicates that this missense variant is not expected to disrupt MTOR protein function with a negative predictive value of 95%. In summary, the available evidence is currently insufficient to determine the role of this variant in disease. Therefore, it has been classified as a Variant of Uncertain Significance.

NM_004958.4(MTOR):c.6895C>G (p.Leu2299Val)

Gene: MTOR (mechanistic target of rapamycin kinase; minus strand). Cytogenetic location: 1p36.22.
Variant type: single nucleotide variant.
Coding change: c.6895C>G on transcript NM_004958.4 (MANE Select); coding-DNA position 6895, C replaced by G.
Protein change: p.Leu2299Val; replaces leucine 2299 with valine.
Molecular consequence: missense variant.
Genome position (GRCh38, 1-based): chr1:11,121,284, G>C on the plus strand (C>G on the coding strand, the complement: MTOR is on the minus strand). VCF-style: chr1-11121284-G-C. GRCh37 (hg19) VCF-style: chr1-11181341-G-C.
Other names: c.6895C>G, p.Leu2299Val (NM_001386500.1); c.5647C>G, p.Leu1883Val (NM_001386501.1); short protein forms L1883V, L2299V.
Identifiers: ClinVar variation 4799823 (VCV004799823.1).
Genomic context (GRCh38, chr1:11,121,284, plus strand): 5'-TCTGCAGGGCCCAGTGGCCTACCTCGGAGCTGGGGCTTTTCAGCCACAGCAGCTTGGCCA[G>C]GTCGTCCCCAGCTGTATTATTGACGGCATGCTCAAACACCTCCACCTTCTGCATCAGAGT-3'
Protein context (NP_004949.1, residues 2289-2309): HAVNNTAGDD[Leu2299Val]AKLLWLKSPS